The following is an entry in ClinVar:

ClinVar aggregate classification (germline): Uncertain significance. Review status: criteria provided, multiple submitters, no conflicts (2 of 4 stars). 2 submissions from 2 submitters: Uncertain significance (2). Last evaluated 2024-04-12.

Allele frequency attached by ClinVar (database versions not stated): gnomAD 0.00001; TOPMed 0.00001; gnomAD exomes 0.00002.
gnomAD v4.1: 24 of 1,612,776 alleles (0.0015%); highest among the groups gnomAD compares: Non-Finnish European, 0.002%; no homozygotes.

Submissions (2):

Labcorp Genetics (formerly Invitae), Labcorp
Classification: Uncertain significance. Last evaluated: 2024-04-12. Review status: criteria provided, single submitter. Criteria: Invitae Variant Classification Sherloc (09022015). Collection method: clinical testing. Allele origin: germline.
Comment: This sequence change replaces glycine, which is neutral and non-polar, with aspartic acid, which is acidic and polar, at codon 645 of the ABL1 protein (p.Gly645Asp). This variant is not present in population databases (gnomAD no frequency). This variant has not been reported in the literature in individuals affected with ABL1-related conditions. ClinVar contains an entry for this variant (Variation ID: 636618). Advanced modeling of protein sequence and biophysical properties (such as structural, functional, and spatial information, amino acid conservation, physicochemical variation, residue mobility, and thermodynamic stability) performed at Invitae indicates that this missense variant is not expected to disrupt ABL1 protein function with a negative predictive value of 95%. In summary, the available evidence is currently insufficient to determine the role of this variant in disease. Therefore, it has been classified as a Variant of Uncertain Significance.

Blueprint Genetics
Classification: Uncertain significance. Last evaluated: 2018-04-22. Review status: criteria provided, single submitter. Criteria: ACMG Guidelines, 2015. Collection method: clinical testing. Allele origin: germline.

NM_005157.6(ABL1):c.1877G>A (p.Gly626Asp)

Gene: ABL1 (ABL proto-oncogene 1, non-receptor tyrosine kinase; plus strand). Cytogenetic location: 9q34.12.
Variant type: single nucleotide variant.
Coding change: c.1877G>A on transcript NM_005157.6 (MANE Select); coding-DNA position 1877, G replaced by A.
Protein change: p.Gly626Asp; replaces glycine 626 with aspartic acid.
Molecular consequence: missense variant.
Genome position (GRCh38, 1-based): chr9:130,884,167, G>A. VCF-style: chr9-130884167-G-A. GRCh37 (hg19) VCF-style: chr9-133759554-G-A.
Other names: c.1934G>A, p.Gly645Asp (NM_007313.3); short protein forms G626D, G645D.
Identifiers: ClinVar variation 636618 (VCV000636618.4), dbSNP rs1253014415, ClinGen allele CA375254066.
Genomic context (GRCh38, chr9:130,884,167, plus strand): 5'-AGAAGAAGAAGACAGCCCCAACCCCTCCCAAACGCAGCAGCTCCTTCCGGGAGATGGACG[G>A]CCAGCCGGAGCGCAGAGGGGCCGGCGAGGAAGAGGGCCGAGACATCAGCAACGGGGCACT-3'
Protein context (NP_005148.2, residues 616-636): KRSSSFREMD[Gly626Asp]QPERRGAGEE